The following is an entry in ClinVar:

ClinVar aggregate classification (germline): Uncertain significance (1 of 4 stars; one submission).

Conditions:
Inborn genetic diseases. Identifiers: MedGen C0950123, MeSH D030342.

Submission:

Ambry Genetics
Classification: Uncertain significance for Inborn genetic diseases. Last evaluated: 2024-11-05. Review status: criteria provided, single submitter. Criteria: Ambry Variant Classification Scheme 2023. Collection method: clinical testing. Allele origin: germline.
Comment: The p.L273W variant (also known as c.818T>G), located in coding exon 7 of the LRRK2 gene, results from a T to G substitution at nucleotide position 818. The leucine at codon 273 is replaced by tryptophan, an amino acid with similar properties. This amino acid position is conserved. In addition, this alteration is predicted to be deleterious by in silico analysis. Based on the available evidence, the clinical significance of this variant remains unclear.

NM_198578.4(LRRK2):c.818T>G (p.Leu273Trp)

Gene: LRRK2 (leucine rich repeat kinase 2; plus strand). Cytogenetic location: 12q12.
Variant type: single nucleotide variant.
Coding change: c.818T>G on transcript NM_198578.4 (MANE Select); coding-DNA position 818, T replaced by G.
Protein change: p.Leu273Trp; replaces leucine 273 with tryptophan.
Molecular consequence: missense variant.
Genome position (GRCh38, 1-based): chr12:40,243,661, T>G. VCF-style: chr12-40243661-T-G. GRCh37 (hg19) VCF-style: chr12-40637463-T-G.
Other names: short protein forms L273W.
Identifiers: ClinVar variation 3540771 (VCV003540771.1).